The following is an entry in ClinVar:

NM_002878.4(RAD51D):c.345+2T>C

Genes: RAD51D (RAD51 paralog D; minus strand), RAD51L3-RFFL (RAD51L3-RFFL readthrough; minus strand). Cytogenetic location: 17q12.
Variant type: single nucleotide variant.
Coding change: c.345+2T>C on transcript NM_002878.4 (MANE Select); the canonical splice donor site of the intron after coding-DNA position 345, T replaced by C.
Molecular consequence: splice donor variant. On other transcripts: intron variant (1).
Genome position (GRCh38, 1-based): chr17:35,107,364, A>G on the plus strand (T>C on the coding strand, the complement: RAD51D is on the minus strand). VCF-style: chr17-35107364-A-G. GRCh37 (hg19) VCF-style: chr17-33434383-A-G.
Other names: c.145-883T>C (NM_133629.3); c.405+2T>C (NM_001142571.2).
Identifiers: ClinVar variation 231839 (VCV000231839.23), dbSNP rs876659394, ClinGen allele CA10580464.

ClinVar aggregate classification (germline): Conflicting classifications of pathogenicity. Review status: criteria provided, conflicting classifications (1 of 4 stars). 6 submissions from 6 submitters: Likely pathogenic (4); Uncertain significance (1). 1 of the submissions does not count toward it. Last evaluated 2025-10-13.

Conditions:
Hereditary cancer-predisposing syndrome. Also called: Neoplastic Syndromes, Hereditary; Tumor predisposition; Hereditary Cancer Syndrome; Hereditary neoplastic syndrome. Identifiers: Orphanet 140162, MedGen C0027672, MeSH D009386, MONDO:0015356.
Breast and/or ovarian cancer. Identifiers: MedGen CN221562.
Breast-ovarian cancer, familial, susceptibility to, 4. Identifiers: Orphanet 145, MedGen C3280345, MONDO:0013669, OMIM 614291.

Allele frequency attached by ClinVar (database versions not stated): gnomAD exomes below 0.00001.
gnomAD v4.1: 1 of 1,543,380 alleles (0.000065%); highest among the groups gnomAD compares: Non-Finnish European, 0.00009%; no homozygotes.

Submissions (6):

Labcorp Genetics (formerly Invitae), Labcorp
Classification: Likely pathogenic for Breast-ovarian cancer, familial, susceptibility to, 4. Last evaluated: 2025-10-13. Review status: criteria provided, single submitter. Criteria: Invitae Variant Classification Sherloc (09022015). Collection method: clinical testing. Allele origin: germline.
Comment: This sequence change affects a donor splice site in intron 4 of the RAD51D gene. It is expected to disrupt RNA splicing. Variants that disrupt the donor or acceptor splice site typically lead to a loss of protein function (PMID: 16199547), and loss-of-function variants in RAD51D are known to be pathogenic (PMID: 21822267). This variant is not present in population databases (gnomAD no frequency). Disruption of this splice site has been observed in individual(s) with ovarian cancer (PMID: 28888541). ClinVar contains an entry for this variant (Variation ID: 231839). Algorithms developed to predict the effect of sequence changes on RNA splicing suggest that this variant may disrupt the consensus splice site. In summary, the currently available evidence indicates that the variant is pathogenic, but additional data are needed to prove that conclusively. Therefore, this variant has been classified as Likely Pathogenic.

Ambry Genetics
Classification: Uncertain significance for Hereditary cancer-predisposing syndrome. Last evaluated: 2025-08-22. Review status: criteria provided, single submitter. Criteria: Ambry Variant Classification Scheme 2023. Collection method: clinical testing. Allele origin: germline.
Comment: The c.345+2T>C intronic variant results from a T to C substitution two nucleotides after coding exon 4 in the RAD51D gene. This nucleotide position is highly conserved in available vertebrate species. In silico splice site analysis predicts that this alteration will weaken the native splice donor site. However, RNA studies have shown that exons 3 through 5 are excluded in several naturally occurring RAD51D isoforms (Davy G et al. Eur. J. Hum. Genet., 2017 10;25:1147-1154; Ambry internal data). Based on the available evidence, the clinical significance of this variant remains unclear.

Baylor Genetics
Classification: Likely pathogenic for Breast-ovarian cancer, familial, susceptibility to, 4. Last evaluated: 2024-03-18. Review status: criteria provided, single submitter. Criteria: ACMG Guidelines, 2015. Collection method: clinical testing. Allele origin: unknown.

Myriad Genetics, Inc.
Classification: Likely pathogenic for Breast-ovarian cancer, familial, susceptibility to, 4. Last evaluated: 2024-01-04. Review status: criteria provided, single submitter. Criteria: Myriad Autosomal Dominant, Autosomal Recessive and X-Linked Classification Criteria (2023). Collection method: clinical testing. Allele origin: unknown.
Comment: This variant is considered likely pathogenic. This variant occurs within a consensus splice junction and is predicted to result in abnormal mRNA splicing of either an out-of-frame exon or an in-frame exon necessary for protein stability and/or normal function.

GeneDx
Classification: Likely pathogenic. Last evaluated: 2023-10-06. Review status: criteria provided, single submitter. Criteria: GeneDx Variant Classification Process June 2021. Collection method: clinical testing. Allele origin: germline. Affected: yes.
Comment: Canonical splice site variant demonstrated to result in aberrant splicing in a gene for which loss of function is a known mechanism of disease (Bueno-Martinez et al., 2021); Not observed in large population cohorts (gnomAD); Identified in at least one individual with ovarian cancer (Lilyquist et al., 2017); This variant is associated with the following publications: (PMID: 34200360, 33471991, 28888541, 32295079)

CZECANCA consortium
Classification: Likely pathogenic for Breast and/or ovarian cancer. Last evaluated: 2019-06-11. Review status: no assertion criteria provided. Collection method: clinical testing. Allele origin: germline. Affected: yes. Observed: 3 variant alleles. Not counted in ClinVar's aggregate classification.

Literature cited by the submitters: PubMed 16199547 (cited by Labcorp Genetics (formerly Invitae), Labcorp); PubMed 21822267 (cited by Labcorp Genetics (formerly Invitae), Labcorp and Ambry Genetics); PubMed 28888541 (cited by Labcorp Genetics (formerly Invitae), Labcorp); PubMed 28905878 (cited by Ambry Genetics); PubMed 33471991 (cited by Ambry Genetics); PubMed 32295079 (cited by CZECANCA consortium).